The following is an entry in ClinVar:

NM_017757.3(ZNF407):c.1664T>C (p.Met555Thr)

Gene: ZNF407 (zinc finger protein 407; plus strand). Cytogenetic location: 18q22.3.
Variant type: single nucleotide variant.
Coding change: c.1664T>C on transcript NM_017757.3 (MANE Select); coding-DNA position 1664, T replaced by C.
Protein change: p.Met555Thr; replaces methionine 555 with threonine.
Molecular consequence: missense variant.
Genome position (GRCh38, 1-based): chr18:74,632,683, T>C. VCF-style: chr18-74632683-T-C. GRCh37 (hg19) VCF-style: chr18-72344639-T-C.
Other names: c.1664T>C, p.Met555Thr (NM_001146189.1, NM_001146190.1, NM_001384475.1); short protein forms M555T.
Identifiers: ClinVar variation 1336330 (VCV001336330.12), dbSNP rs527983284, ClinGen allele CA9000410.

ClinVar aggregate classification (germline): Uncertain significance. Review status: criteria provided, multiple submitters, no conflicts (2 of 4 stars). 2 submissions from 2 submitters: Uncertain significance (2). Last evaluated 2025-08-01.

Allele frequency attached by ClinVar (database versions not stated): TOPMed 0.00004; gnomAD 0.00006; ExAC 0.00007; gnomAD exomes 0.00008; 1000 Genomes Project 30x 0.00016; 1000 Genomes Project 0.00020.
gnomAD v4.1: 72 of 1,613,950 alleles (0.0045%); highest among the groups gnomAD compares: Admixed American, 0.01%; no homozygotes.

Submissions (2):

CeGaT Center for Human Genetics Tuebingen
Classification: Uncertain significance. Last evaluated: 2025-08-01. Review status: criteria provided, single submitter. Criteria: CeGaT Center For Human Genetics Tuebingen Variant Classification Criteria Version 2. Collection method: clinical testing. Allele origin: germline. Affected: yes. Observed: 1 variant allele.
Comment: ZNF407: PM2, BP4

Genetic Services Laboratory, University of Chicago
Classification: Uncertain significance. Last evaluated: 2017-11-07. Review status: criteria provided, single submitter. Criteria: ACMG Guidelines, 2015. Collection method: clinical testing. Allele origin: germline. Affected: no.